The following is an entry in ClinVar:

NM_052813.5(CARD9):c.539A>G (p.Glu180Gly)

Gene: CARD9 (caspase recruitment domain family member 9; minus strand). Cytogenetic location: 9q34.3.
Variant type: single nucleotide variant.
Coding change: c.539A>G on transcript NM_052813.5 (MANE Select); coding-DNA position 539, A replaced by G.
Protein change: p.Glu180Gly; replaces glutamic acid 180 with glycine.
Molecular consequence: missense variant.
Genome position (GRCh38, 1-based): chr9:136,370,929, T>C on the plus strand (A>G on the coding strand, the complement: CARD9 is on the minus strand). VCF-style: chr9-136370929-T-C. GRCh37 (hg19) VCF-style: chr9-139265381-T-C.
Other names: c.539A>G, p.Glu180Gly (NM_052814.4); short protein forms E180G.
Identifiers: ClinVar variation 1024217 (VCV001024217.8), dbSNP rs1252059533, ClinGen allele CA375545255.

ClinVar aggregate classification (germline): Uncertain significance (1 of 4 stars; one submission).

Conditions:
Predisposition to invasive fungal disease due to CARD9 deficiency (IMD103). Also called: Candidiasis, familial, 2, autosomal recessive; CARD9 IMMUNODEFICIENCY; IMMUNODEFICIENCY 103, SUSCEPTIBILITY TO FUNGAL INFECTIONS. Identifiers: Orphanet 457088, MedGen C1859353, MONDO:0008905, OMIM 212050.

Allele frequency attached by ClinVar (database versions not stated): gnomAD 0.00001 and 0.00002; TOPMed 0.00003.

Submission:

Labcorp Genetics (formerly Invitae), Labcorp
Classification: Uncertain significance for Predisposition to invasive fungal disease due to CARD9 deficiency. Last evaluated: 2022-04-08. Review status: criteria provided, single submitter. Criteria: Invitae Variant Classification Sherloc (09022015). Collection method: clinical testing. Allele origin: germline.
Comment: This sequence change replaces glutamic acid, which is acidic and polar, with glycine, which is neutral and non-polar, at codon 180 of the CARD9 protein (p.Glu180Gly). This variant is not present in population databases (gnomAD no frequency). This variant has not been reported in the literature in individuals affected with CARD9-related conditions. ClinVar contains an entry for this variant (Variation ID: 1024217). Algorithms developed to predict the effect of missense changes on protein structure and function are either unavailable or do not agree on the potential impact of this missense change (SIFT: "Deleterious"; PolyPhen-2: "Benign"; Align-GVGD: "Class C15"). In summary, the available evidence is currently insufficient to determine the role of this variant in disease. Therefore, it has been classified as a Variant of Uncertain Significance.